The following is an entry in ClinVar:

NM_004963.4(GUCY2C):c.3146G>A (p.Arg1049Gln)

Genes: GUCY2C (guanylate cyclase 2C; minus strand), PLBD1-AS1 (PLBD1 antisense RNA 1; plus strand). Cytogenetic location: 12p12.3.
Variant type: single nucleotide variant.
Coding change: c.3146G>A on transcript NM_004963.4 (MANE Select); coding-DNA position 3146, G replaced by A.
Protein change: p.Arg1049Gln; replaces arginine 1049 with glutamine.
Molecular consequence: missense variant.
Genome position (GRCh38, 1-based): chr12:14,613,193, C>T on the plus strand (G>A on the coding strand, the complement: GUCY2C is on the minus strand). VCF-style: chr12-14613193-C-T. GRCh37 (hg19) VCF-style: chr12-14766127-C-T.
Other names: short protein forms R1049Q.
Identifiers: ClinVar variation 1391376 (VCV001391376.6), dbSNP rs576694976, ClinGen allele CA6462862.

ClinVar aggregate classification (germline): Uncertain significance (1 of 4 stars; one submission).

Allele frequency attached by ClinVar (database versions not stated): gnomAD 0.00001 and 0.00003; ExAC 0.00002; gnomAD exomes 0.00002 and 0.00003; TOPMed 0.00002; 1000 Genomes Project 0.00060; 1000 Genomes Project 30x 0.00062.
gnomAD v4.1: 29 of 1,613,400 alleles (0.0018%); highest among the groups gnomAD compares: South Asian, 0.021%; 1 homozygote.

Submission:

Labcorp Genetics (formerly Invitae), Labcorp
Classification: Uncertain significance. Last evaluated: 2021-11-23. Review status: criteria provided, single submitter. Criteria: Invitae Variant Classification Sherloc (09022015). Collection method: clinical testing. Allele origin: germline.
Comment: In summary, the available evidence is currently insufficient to determine the role of this variant in disease. Therefore, it has been classified as a Variant of Uncertain Significance. Algorithms developed to predict the effect of missense changes on protein structure and function are either unavailable or do not agree on the potential impact of this missense change (SIFT: "Deleterious"; PolyPhen-2: "Benign"; Align-GVGD: "Class C0"). This variant has not been reported in the literature in individuals affected with GUCY2C-related conditions. This variant is present in population databases (rs576694976, gnomAD 0.02%). This sequence change replaces arginine, which is basic and polar, with glutamine, which is neutral and polar, at codon 1049 of the GUCY2C protein (p.Arg1049Gln).